The following is an entry in ClinVar:

ClinVar aggregate classification (germline): Uncertain significance (1 of 4 stars; one submission).

Submission:

Women's Health and Genetics/Laboratory Corporation of America, LabCorp
Classification: Uncertain significance. Last evaluated: 2016-06-14. Review status: criteria provided, single submitter. Criteria: LabCorp Variant Classification Summary - May 2015. Collection method: clinical testing. Allele origin: germline.
Comment: Variant summary: The SLC34A3 c.846+96T>A variant involves the alteration of a non-conserved intronic nucleotide. One in silico tool predicts a benign outcome for this variant. 5/5 splice prediction tools predict no changes on the canonical splicing sites and 3/3 predict a gain of cryptic splicing acceptor site and ESEfinder predicts changes of binding motifs for the splicing enhancers. However, these predictions have yet to be confirmed by functional studies. This variant is absent in 75764 control chromosomes. The variant of interest has not, to our knowledge, been reported in affected individuals via publications and/or reputable databases/clinical diagnostic laboratories; nor evaluated for functional impact by in vivo/vitro studies. Because of the absence of clinical information and the lack of functional studies, the variant was classified as a variant of uncertain significance (VUS)-possibly benign until additional information becomes available.

NM_001177316.2(SLC34A3):c.847-45T>A

Gene: SLC34A3 (solute carrier family 34 member 3; plus strand). Cytogenetic location: 9q34.3.
Variant type: single nucleotide variant.
Coding change: c.847-45T>A on transcript NM_001177316.2 (MANE Select); 45 bases into the intron before coding-DNA position 847, T replaced by A.
Molecular consequence: intron variant.
Genome position (GRCh38, 1-based): chr9:137,233,818, T>A. VCF-style: chr9-137233818-T-A. GRCh37 (hg19) VCF-style: chr9-140128270-T-A.
Other names: c.846+96T>A (NM_080877.2); c.847-45T>A (NM_001177317.2, NM_080877.3).
Identifiers: ClinVar variation 496512 (VCV000496512.2), dbSNP rs1554783966, ClinGen allele CA658683561.